The following is an entry in ClinVar:

NM_000540.3(RYR1):c.10992T>G (p.Thr3664=)

Gene: RYR1 (ryanodine receptor 1; plus strand). Cytogenetic location: 19q13.2.
Variant type: single nucleotide variant.
Coding change: c.10992T>G on transcript NM_000540.3 (MANE Select); coding-DNA position 10992, T replaced by G.
Protein change: p.Thr3664=; no amino-acid change (threonine 3664 retained).
Molecular consequence: synonymous variant.
Genome position (GRCh38, 1-based): chr19:38,528,653, T>G. VCF-style: chr19-38528653-T-G. GRCh37 (hg19) VCF-style: chr19-39019293-T-G.
Other names: c.10977T>G, p.Thr3659= (NM_001042723.2).
Identifiers: ClinVar variation 3075048 (VCV003075048.1), dbSNP rs2514497525, ClinGen allele CA507354557.

ClinVar aggregate classification (germline): Likely benign (1 of 4 stars; one submission).

Conditions:
Malignant hyperthermia, susceptibility to, 1 (MHS1). Also called: Anesthesia related hyperthermia; Malignant hyperpyrexia; Fulminating hyperpyrexia; Pharmacogenic myopathy; RYR1-Related Malignant Hyperthermia Susceptibility; Malignant hyperthermia suceptibility 1. Identifiers: Orphanet 423, MedGen C2930980, MONDO:0007783, OMIM 145600.

Submission:

All of Us Research Program, National Institutes of Health
Classification: Likely benign for Malignant hyperthermia, susceptibility to, 1. Last evaluated: 2023-12-18. Review status: criteria provided, single submitter. Criteria: ACMG Guidelines, 2015. Collection method: clinical testing. Allele origin: germline. Inheritance: Autosomal dominant inheritance. Observed: 1 variant allele, 1 heterozygote.
Comment: This study involves interpretation of variants in research participants for the purpose of population health screening. Participant phenotype was not available at the time of variant classification. Additional details can be found in publication PMID: 35346344, PMCID: PMC8962531